The following is an entry in ClinVar:

NM_005477.3(HCN4):c.172C>G (p.Pro58Ala)

Gene: HCN4 (hyperpolarization activated cyclic nucleotide gated potassium channel 4; minus strand). Cytogenetic location: 15q24.1.
Variant type: single nucleotide variant.
Coding change: c.172C>G on transcript NM_005477.3 (MANE Select); coding-DNA position 172, C replaced by G.
Protein change: p.Pro58Ala; replaces proline 58 with alanine.
Molecular consequence: missense variant.
Genome position (GRCh38, 1-based): chr15:73,368,099, G>C on the plus strand (C>G on the coding strand, the complement: HCN4 is on the minus strand). VCF-style: chr15-73368099-G-C. GRCh37 (hg19) VCF-style: chr15-73660440-G-C.
Other names: short protein forms P58A.
Identifiers: ClinVar variation 3646641 (VCV003646641.2).

ClinVar aggregate classification (germline): Uncertain significance (1 of 4 stars; one submission).

Conditions:
Brugada syndrome 8 (BRGDA8). Identifiers: Orphanet 130, MedGen C2751083, MONDO:0013148, OMIM 613123.

gnomAD v4.1: 1 of 1,497,890 alleles (0.000067%); highest among the groups gnomAD compares: Non-Finnish European, 0.000089%; no homozygotes.

Submission:

Labcorp Genetics (formerly Invitae), Labcorp
Classification: Uncertain significance for Brugada syndrome 8. Last evaluated: 2024-03-28. Review status: criteria provided, single submitter. Criteria: Invitae Variant Classification Sherloc (09022015). Collection method: clinical testing. Allele origin: germline.
Comment: This sequence change replaces proline, which is neutral and non-polar, with alanine, which is neutral and non-polar, at codon 58 of the HCN4 protein (p.Pro58Ala). This variant is not present in population databases (gnomAD no frequency). This variant has not been reported in the literature in individuals affected with HCN4-related conditions. Advanced modeling of protein sequence and biophysical properties (such as structural, functional, and spatial information, amino acid conservation, physicochemical variation, residue mobility, and thermodynamic stability) performed at Invitae indicates that this missense variant is not expected to disrupt HCN4 protein function with a negative predictive value of 95%. In summary, the available evidence is currently insufficient to determine the role of this variant in disease. Therefore, it has been classified as a Variant of Uncertain Significance.